The following is an entry in ClinVar:

ClinVar aggregate classification (germline): Pathogenic (1 of 4 stars; one submission).

Conditions:
Inborn genetic diseases. Identifiers: MedGen C0950123, MeSH D030342.

Submission:

Ambry Genetics
Classification: Pathogenic for Inborn genetic diseases. Last evaluated: 2024-12-04. Review status: criteria provided, single submitter. Criteria: Ambry Variant Classification Scheme 2023. Collection method: clinical testing. Allele origin: germline.
Comment: The c.262G>T (p.E88*) alteration, located in exon 5 (coding exon 3) of the KMT2E gene, consists of a G to T substitution at nucleotide position 262. This changes the amino acid from a glutamic acid (E) to a stop codon at amino acid position 88. This alteration is expected to result in loss of function by premature protein truncation or nonsense-mediated mRNA decay. This variant was not reported in population-based cohorts in the Genome Aggregation Database (gnomAD). Based on the available evidence, this alteration is classified as pathogenic.

NM_182931.3(KMT2E):c.262G>T (p.Glu88Ter)

Gene: KMT2E (lysine methyltransferase 2E (inactive); plus strand). Cytogenetic location: 7q22.3.
Variant type: single nucleotide variant.
Coding change: c.262G>T on transcript NM_182931.3 (MANE Select); coding-DNA position 262, G replaced by T.
Protein change: p.Glu88Ter; replaces glutamic acid 88 with a stop codon.
Molecular consequence: nonsense.
Genome position (GRCh38, 1-based): chr7:105,063,426, G>T. VCF-style: chr7-105063426-G-T. GRCh37 (hg19) VCF-style: chr7-104703873-G-T.
Other names: c.262G>T, p.Glu88Ter (NM_001410908.1, NM_018682.4); short protein forms E88*.
Identifiers: ClinVar variation 3535566 (VCV003535566.1).